The following is an entry in ClinVar:

NM_014797.3(ZBTB24):c.997C>T (p.Gln333Ter)

Gene: ZBTB24 (zinc finger and BTB domain containing 24; minus strand). Cytogenetic location: 6q21.
Variant type: single nucleotide variant.
Coding change: c.997C>T on transcript NM_014797.3 (MANE Select); coding-DNA position 997, C replaced by T.
Protein change: p.Gln333Ter; replaces glutamine 333 with a stop codon.
Molecular consequence: nonsense.
Genome position (GRCh38, 1-based): chr6:109,476,886, G>A on the plus strand (C>T on the coding strand, the complement: ZBTB24 is on the minus strand). VCF-style: chr6-109476886-G-A. GRCh37 (hg19) VCF-style: chr6-109798089-G-A.
Other names: short protein forms Q333*.
Identifiers: ClinVar variation 3004627 (VCV003004627.3), dbSNP rs370325706, ClinGen allele CA3954212.

ClinVar aggregate classification (germline): Pathogenic (1 of 4 stars; one submission).

Conditions:
Immunodeficiency-centromeric instability-facial anomalies syndrome 2 (ICF2). Identifiers: Orphanet 2268, MedGen C3279748, MONDO:0013553, OMIM 614069.

Allele frequency attached by ClinVar (database versions not stated): gnomAD exomes below 0.00001; ExAC 0.00001; ESP Exome Variant Server 0.00008.
gnomAD v4.1: 4 of 1,614,106 alleles (0.00025%); highest among the groups gnomAD compares: Non-Finnish European, 0.00025%; no homozygotes.

Submission:

Labcorp Genetics (formerly Invitae), Labcorp
Classification: Pathogenic for Immunodeficiency-centromeric instability-facial anomalies syndrome 2. Last evaluated: 2024-03-05. Review status: criteria provided, single submitter. Criteria: Invitae Variant Classification Sherloc (09022015). Collection method: clinical testing. Allele origin: germline.
Comment: This sequence change creates a premature translational stop signal (p.Gln333*) in the ZBTB24 gene. It is expected to result in an absent or disrupted protein product. Loss-of-function variants in ZBTB24 are known to be pathogenic (PMID: 21596365). This variant is present in population databases (rs370325706, gnomAD 0.007%). This variant has not been reported in the literature in individuals affected with ZBTB24-related conditions. For these reasons, this variant has been classified as Pathogenic.

Literature cited by the submitters: PubMed 21596365.